The following is an entry in ClinVar:

ClinVar aggregate classification (germline): Likely benign (1 of 4 stars; one submission).

Submission:

CeGaT Center for Human Genetics Tuebingen
Classification: Likely benign. Last evaluated: 2022-12-01. Review status: criteria provided, single submitter. Criteria: CeGaT Center For Human Genetics Tuebingen Variant Classification Criteria Version 2. Collection method: clinical testing. Allele origin: germline. Affected: yes. Observed: 1 variant allele.
Comment: WASH4P: BS2

NC_000016.10:g.14494G>A

Variant type: single nucleotide variant.
Genome position: GRCh38 VCF-style: chr16-14494-G-A. GRCh37 (hg19) VCF-style: chr16-64494-G-A.
Identifiers: ClinVar variation 2645762 (VCV002645762.23), dbSNP rs4350573, ClinGen allele CA7767249.